The following is an entry in ClinVar:

NM_002941.4(ROBO1):c.4612A>G (p.Arg1538Gly)

Gene: ROBO1 (roundabout guidance receptor 1; minus strand). Cytogenetic location: 3p12.3.
Variant type: single nucleotide variant.
Coding change: c.4612A>G on transcript NM_002941.4 (MANE Select); coding-DNA position 4612, A replaced by G.
Protein change: p.Arg1538Gly; replaces arginine 1538 with glycine.
Molecular consequence: missense variant.
Genome position (GRCh38, 1-based): chr3:78,606,865, T>C on the plus strand (A>G on the coding strand, the complement: ROBO1 is on the minus strand). VCF-style: chr3-78606865-T-C. GRCh37 (hg19) VCF-style: chr3-78656015-T-C.
Other names: c.4477A>G, p.Arg1493Gly (NM_001145844.1, NM_133631.4); c.4312A>G, p.Arg1438Gly (NM_001145845.2); short protein forms R1438G, R1493G, R1538G.
Identifiers: ClinVar variation 2097517 (VCV002097517.4), dbSNP rs1703490700, ClinGen allele CA353683425.

ClinVar aggregate classification (germline): Uncertain significance (1 of 4 stars; one submission).

Allele frequency attached by ClinVar (database versions not stated): gnomAD exomes below 0.00001; gnomAD 0.00001; TOPMed 0.00001.
gnomAD v4.1: 3 of 1,613,808 alleles (0.00019%); highest among the groups gnomAD compares: Admixed American, 0.0033%; no homozygotes.

Submission:

Labcorp Genetics (formerly Invitae), Labcorp
Classification: Uncertain significance. Last evaluated: 2022-04-25. Review status: criteria provided, single submitter. Criteria: Invitae Variant Classification Sherloc (09022015). Collection method: clinical testing. Allele origin: germline.
Comment: In summary, the available evidence is currently insufficient to determine the role of this variant in disease. Therefore, it has been classified as a Variant of Uncertain Significance. Advanced modeling of protein sequence and biophysical properties (such as structural, functional, and spatial information, amino acid conservation, physicochemical variation, residue mobility, and thermodynamic stability) performed at Invitae indicates that this missense variant is not expected to disrupt ROBO1 protein function. This variant has not been reported in the literature in individuals affected with ROBO1-related conditions. This variant is not present in population databases (gnomAD no frequency). This sequence change replaces arginine, which is basic and polar, with glycine, which is neutral and non-polar, at codon 1538 of the ROBO1 protein (p.Arg1538Gly).